The following is an entry in ClinVar:

NM_032634.4(PIGO):c.1355C>T (p.Ala452Val)

Gene: PIGO (phosphatidylinositol glycan anchor biosynthesis class O; minus strand). Cytogenetic location: 9p13.3.
Variant type: single nucleotide variant.
Coding change: c.1355C>T on transcript NM_032634.4 (MANE Select); coding-DNA position 1355, C replaced by T.
Protein change: p.Ala452Val; replaces alanine 452 with valine.
Molecular consequence: missense variant. On other transcripts: intron variant (2).
Genome position (GRCh38, 1-based): chr9:35,092,532, G>A on the plus strand (C>T on the coding strand, the complement: PIGO is on the minus strand). VCF-style: chr9-35092532-G-A. GRCh37 (hg19) VCF-style: chr9-35092529-G-A.
Other names: c.1344+11C>T (NM_152850.4, NM_001201484.2); c.1355C>T (NM_032634.3); short protein forms A452V.
Identifiers: ClinVar variation 1002341 (VCV001002341.8), dbSNP rs767418527, ClinGen allele CA5040652.
Genomic context (GRCh38, chr9:35,092,532, plus strand): 5'-GCCCACTGAGATGCCAGCAGGCAGATAAAGCAGGAAGCAGCCAAGAGAGCAGTACCCCCC[G>A]CCATGCGGACCAGAGAGAAACGAGCCCAAGACTCGATGCACATGGCCCGAGCTCCCCGCA-3'
Protein context (NP_116023.2, residues 442-462): SWARFSLVRM[Ala452Val]GGTALLAASC

ClinVar aggregate classification (germline): Uncertain significance. Review status: criteria provided, multiple submitters, no conflicts (2 of 4 stars). 3 submissions from 3 submitters: Uncertain significance (3). Last evaluated 2025-08-09.

Conditions:
Inborn genetic diseases. Identifiers: MedGen C0950123, MeSH D030342.
Hyperphosphatasia with impaired intellectual development syndrome 2. Also called: Hyperphosphatasia with intellectual disability syndrome 2; GLYCOSYLPHOSPHATIDYLINOSITOL BIOSYNTHESIS DEFECT 6. Identifiers: Orphanet 247262, MedGen C3553637, MONDO:0013882, OMIM 614749.

Allele frequency attached by ClinVar (database versions not stated): gnomAD 0.00001; TOPMed 0.00002.

Submissions (4):

Ambry Genetics
Classification: Uncertain significance for Inborn genetic diseases. Last evaluated: 2025-08-09. Review status: criteria provided, single submitter. Criteria: Ambry Variant Classification Scheme 2023. Collection method: clinical testing. Allele origin: germline.

GeneDx
Classification: Uncertain significance. Last evaluated: 2022-12-09. Review status: criteria provided, single submitter. Criteria: GeneDx Variant Classification Process June 2021. Collection method: clinical testing. Allele origin: germline. Affected: yes.
Comment: Not observed at significant frequency in large population cohorts (gnomAD); In silico analysis supports that this missense variant does not alter protein structure/function; Has not been previously published as pathogenic or benign to our knowledge

Labcorp Genetics (formerly Invitae), Labcorp
Classification: Uncertain significance for Hyperphosphatasia with impaired intellectual development syndrome 2. Last evaluated: 2022-06-01. Review status: criteria provided, single submitter. Criteria: Invitae Variant Classification Sherloc (09022015). Collection method: clinical testing. Allele origin: germline.
Comment: This sequence change replaces alanine, which is neutral and non-polar, with valine, which is neutral and non-polar, at codon 452 of the PIGO protein (p.Ala452Val). This variant is present in population databases (rs767418527, gnomAD 0.004%). This variant has not been reported in the literature in individuals affected with PIGO-related conditions. ClinVar contains an entry for this variant (Variation ID: 1002341). Algorithms developed to predict the effect of missense changes on protein structure and function output the following: SIFT: "Tolerated"; PolyPhen-2: "Benign"; Align-GVGD: "Class C0". The valine amino acid residue is found in multiple mammalian species, which suggests that this missense change does not adversely affect protein function. Algorithms developed to predict the effect of sequence changes on RNA splicing suggest that this variant may create or strengthen a splice site. In summary, the available evidence is currently insufficient to determine the role of this variant in disease. Therefore, it has been classified as a Variant of Uncertain Significance.

Dr. Peter K. Rogan Lab, Western University
No classification provided (evidence only). Condition: Clear cell carcinoma of kidney. Review status: no classification provided. Collection method: in vitro. Allele origin: not applicable. Functional consequence: retained intron. Not counted in ClinVar's aggregate classification.